The following is an entry in ClinVar:

NM_004655.4(AXIN2):c.607G>T (p.Gly203Trp)

Gene: AXIN2 (axin 2; minus strand). Cytogenetic location: 17q24.1.
Variant type: single nucleotide variant.
Coding change: c.607G>T on transcript NM_004655.4 (MANE Select); coding-DNA position 607, G replaced by T.
Protein change: p.Gly203Trp; replaces glycine 203 with tryptophan.
Molecular consequence: missense variant.
Genome position (GRCh38, 1-based): chr17:65,558,014, C>A on the plus strand (G>T on the coding strand, the complement: AXIN2 is on the minus strand). VCF-style: chr17-65558014-C-A. GRCh37 (hg19) VCF-style: chr17-63554132-C-A.
Other names: c.607G>T, p.Gly203Trp (NM_001363813.1); short protein forms G203W.
Identifiers: ClinVar variation 826173 (VCV000826173.14), dbSNP rs62640027, ClinGen allele CA8719022.
Genomic context (GRCh38, chr17:65,558,014, plus strand): 5'-CACACACGACCTTTAGGCTCCCGAGTCCCCCATTACTCATGTAAGCTGTGTTTTCTCCCC[C>A]ACTCCTCACATATTCGAGGTATATATCAGAAGTCAAAAACATCTGGTAGGCATTTTCCTC-3'
Protein context (NP_004646.3, residues 193-213): SDIYLEYVRS[Gly203Trp]GENTAYMSNG

ClinVar aggregate classification (germline): Uncertain significance. Review status: criteria provided, multiple submitters, no conflicts (2 of 4 stars). 3 submissions from 3 submitters: Uncertain significance (3). Last evaluated 2025-10-06.

Conditions:
Colorectal cancer. Also called: Colorectal cancer, somatic; Malignant Colorectal Neoplasm. Identifiers: MedGen C0346629, MONDO:0005575, OMIM 114500.
Oligodontia-cancer predisposition syndrome. Also called: TOOTH AGENESIS-COLORECTAL CANCER SYNDROME. Identifiers: Orphanet 300576, MedGen C1837750, MONDO:0012075, OMIM 608615. Disease mechanism: loss of function.
Hereditary cancer-predisposing syndrome. Also called: Neoplastic Syndromes, Hereditary; Tumor predisposition; Hereditary neoplastic syndrome; Hereditary Cancer Syndrome. Identifiers: Orphanet 140162, MedGen C0027672, MeSH D009386, MONDO:0015356.

Allele frequency attached by ClinVar (database versions not stated): TOPMed 0.00001.
gnomAD v4.1: 3 of 1,614,208 alleles (0.00019%); highest among the groups gnomAD compares: South Asian, 0.0022%; no homozygotes.

Submissions (3):

Ambry Genetics
Classification: Uncertain significance for Hereditary cancer-predisposing syndrome. Last evaluated: 2025-10-06. Review status: criteria provided, single submitter. Criteria: Ambry Variant Classification Scheme 2023. Collection method: clinical testing. Allele origin: germline.
Comment: The p.G203W variant (also known as c.607G>T), located in coding exon 1 of the AXIN2 gene, results from a G to T substitution at nucleotide position 607. The glycine at codon 203 is replaced by tryptophan, an amino acid with highly dissimilar properties. This amino acid position is highly conserved in available vertebrate species. In addition, the in silico prediction for this alteration is inconclusive. Since supporting evidence is limited at this time, the clinical significance of this alteration remains unclear.

Baylor Genetics
Classification: Uncertain significance for Colorectal cancer. Last evaluated: 2023-12-27. Review status: criteria provided, single submitter. Criteria: ACMG Guidelines, 2015. Collection method: clinical testing. Allele origin: unknown.

Labcorp Genetics (formerly Invitae), Labcorp
Classification: Uncertain significance for Oligodontia-cancer predisposition syndrome. Last evaluated: 2023-04-09. Review status: criteria provided, single submitter. Criteria: Invitae Variant Classification Sherloc (09022015). Collection method: clinical testing. Allele origin: germline.
Comment: In summary, the available evidence is currently insufficient to determine the role of this variant in disease. Therefore, it has been classified as a Variant of Uncertain Significance. Advanced modeling of protein sequence and biophysical properties (such as structural, functional, and spatial information, amino acid conservation, physicochemical variation, residue mobility, and thermodynamic stability) performed at Invitae indicates that this missense variant is expected to disrupt AXIN2 protein function. ClinVar contains an entry for this variant (Variation ID: 826173). This variant has not been reported in the literature in individuals affected with AXIN2-related conditions. This variant is present in population databases (rs62640027, gnomAD 0.003%). This sequence change replaces glycine, which is neutral and non-polar, with tryptophan, which is neutral and slightly polar, at codon 203 of the AXIN2 protein (p.Gly203Trp).